The following is an entry in ClinVar:

NM_014384.3(ACAD8):c.79G>A (p.Gly27Ser)

Gene: ACAD8 (acyl-CoA dehydrogenase family member 8; plus strand). Cytogenetic location: 11q25.
Variant type: single nucleotide variant.
Coding change: c.79G>A on transcript NM_014384.3 (MANE Select); coding-DNA position 79, G replaced by A.
Protein change: p.Gly27Ser; replaces glycine 27 with serine.
Molecular consequence: missense variant.
Genome position (GRCh38, 1-based): chr11:134,253,679, G>A. VCF-style: chr11-134253679-G-A. GRCh37 (hg19) VCF-style: chr11-134123573-G-A.
Other names: short protein forms G27S.
Identifiers: ClinVar variation 2418194 (VCV002418194.7), dbSNP rs895526348, ClinGen allele CA231269207.

ClinVar aggregate classification (germline): Uncertain significance (1 of 4 stars; one submission).

Conditions:
Deficiency of isobutyryl-CoA dehydrogenase. Also called: IBD DEFICIENCY; ACAD8 DEFICIENCY; ACYL-CoA DEHYDROGENASE FAMILY, MEMBER 8, DEFICIENCY OF. Identifiers: Orphanet 79159, MedGen C1969809, MONDO:0012648, OMIM 611283.

Allele frequency attached by ClinVar (database versions not stated): gnomAD 0.00001; gnomAD exomes 0.00001; TOPMed 0.00001.
gnomAD v4.1: 19 of 1,599,868 alleles (0.0012%); highest among the groups gnomAD compares: Non-Finnish European, 0.0015%; no homozygotes.

Submission:

Labcorp Genetics (formerly Invitae), Labcorp
Classification: Uncertain significance for Deficiency of isobutyryl-CoA dehydrogenase. Last evaluated: 2024-11-11. Review status: criteria provided, single submitter. Criteria: Invitae Variant Classification Sherloc (09022015). Collection method: clinical testing. Allele origin: germline.
Comment: This sequence change replaces glycine, which is neutral and non-polar, with serine, which is neutral and polar, at codon 27 of the ACAD8 protein (p.Gly27Ser). This variant is present in population databases (no rsID available, gnomAD 0.0009%). This variant has not been reported in the literature in individuals affected with ACAD8-related conditions. ClinVar contains an entry for this variant (Variation ID: 2418194). Invitae Evidence Modeling of protein sequence and biophysical properties (such as structural, functional, and spatial information, amino acid conservation, physicochemical variation, residue mobility, and thermodynamic stability) indicates that this missense variant is not expected to disrupt ACAD8 protein function with a negative predictive value of 95%. In summary, the available evidence is currently insufficient to determine the role of this variant in disease. Therefore, it has been classified as a Variant of Uncertain Significance.